The following is an entry in ClinVar:

NM_182914.3(SYNE2):c.11282T>A (p.Ile3761Asn)

Gene: SYNE2 (spectrin repeat containing nuclear envelope protein 2; plus strand). Cytogenetic location: 14q23.2.
Variant type: single nucleotide variant.
Coding change: c.11282T>A on transcript NM_182914.3 (MANE Select); coding-DNA position 11282, T replaced by A.
Protein change: p.Ile3761Asn; replaces isoleucine 3761 with asparagine.
Molecular consequence: missense variant.
Genome position (GRCh38, 1-based): chr14:64,080,574, T>A. VCF-style: chr14-64080574-T-A. GRCh37 (hg19) VCF-style: chr14-64547292-T-A.
Other names: c.11282T>A, p.Ile3761Asn (NM_015180.6); short protein forms I3761N.
Identifiers: ClinVar variation 640071 (VCV000640071.9), dbSNP rs767934367, ClinGen allele CA7221743.

ClinVar aggregate classification (germline): Uncertain significance. Review status: criteria provided, multiple submitters, no conflicts (2 of 4 stars). 2 submissions from 2 submitters: Uncertain significance (2). Last evaluated 2025-08-30.

Conditions:
Emery-Dreifuss muscular dystrophy 5, autosomal dominant (EDMD5). Also called: EMERY-DREIFUSS MUSCULAR DYSTROPHY 5. Identifiers: Orphanet 261, MedGen C2751805, MONDO:0013072, OMIM 612999.

Allele frequency attached by ClinVar (database versions not stated): gnomAD 0.00001 and 0.00002; gnomAD exomes 0.00001 and 0.00002; ExAC 0.00002; TOPMed 0.00002.
gnomAD v4.1: 15 of 1,614,092 alleles (0.00093%); highest among the groups gnomAD compares: Admixed American, 0.005%; no homozygotes.

Submissions (2):

Ambry Genetics
Classification: Uncertain significance. Last evaluated: 2025-08-30. Review status: criteria provided, single submitter. Criteria: Ambry Variant Classification Scheme 2023. Collection method: clinical testing. Allele origin: germline.

Labcorp Genetics (formerly Invitae), Labcorp
Classification: Uncertain significance for Emery-Dreifuss muscular dystrophy 5, autosomal dominant. Last evaluated: 2022-04-08. Review status: criteria provided, single submitter. Criteria: Invitae Variant Classification Sherloc (09022015). Collection method: clinical testing. Allele origin: germline.
Comment: In summary, the available evidence is currently insufficient to determine the role of this variant in disease. Therefore, it has been classified as a Variant of Uncertain Significance. Algorithms developed to predict the effect of missense changes on protein structure and function are either unavailable or do not agree on the potential impact of this missense change (SIFT: "Tolerated"; PolyPhen-2: "Possibly Damaging"; Align-GVGD: "Class C0"). ClinVar contains an entry for this variant (Variation ID: 640071). This variant has not been reported in the literature in individuals affected with SYNE2-related conditions. This variant is present in population databases (rs767934367, gnomAD 0.009%). This sequence change replaces isoleucine, which is neutral and non-polar, with asparagine, which is neutral and polar, at codon 3761 of the SYNE2 protein (p.Ile3761Asn).